The following is an entry in ClinVar:

NM_017780.4(CHD7):c.1543C>T (p.Pro515Ser)

Gene: CHD7 (chromodomain helicase DNA binding protein 7; plus strand). Cytogenetic location: 8q12.2.
Variant type: single nucleotide variant.
Coding change: c.1543C>T on transcript NM_017780.4 (MANE Select); coding-DNA position 1543, C replaced by T.
Protein change: p.Pro515Ser; replaces proline 515 with serine.
Molecular consequence: missense variant.
Genome position (GRCh38, 1-based): chr8:60,742,975, C>T. VCF-style: chr8-60742975-C-T. GRCh37 (hg19) VCF-style: chr8-61655534-C-T.
Other names: c.1543C>T, p.Pro515Ser (NM_001316690.1); short protein forms P515S.
Identifiers: ClinVar variation 1369874 (VCV001369874.7), dbSNP rs1210884047, ClinGen allele CA371303387.

ClinVar aggregate classification (germline): Uncertain significance. Review status: criteria provided, multiple submitters, no conflicts (2 of 4 stars). 2 submissions from 2 submitters: Uncertain significance (2). Last evaluated 2024-05-25.

Conditions:
CHARGE syndrome (CHARGE). Also called: Hittner Hirsch Kreh syndrome; CHARGE ASSOCIATION--COLOBOMA, HEART ANOMALY, CHOANAL ATRESIA, RETARDATION, GENITAL AND EAR ANOMALIES; Coloboma, heart anomaly, choanal atresia, retardation, genital and ear anomalies; CHARGE association; Hall-Hittner syndrome. Identifiers: Orphanet 138, MedGen C0265354, MONDO:0008965.
Hypogonadotropic hypogonadism 5 with or without anosmia (KAL5). Also called: HYPOGONADOTROPIC HYPOGONADISM 5 WITH ANOSMIA; CHD7-Related GnRH Deficiency (Kallmann Syndrome 5); HYPOGONADOTROPHIC HYPOGONADISM 5 WITHOUT ANOSMIA. Identifiers: Orphanet 478, MedGen C3552553, MONDO:0012880, OMIM 612370. Disease mechanism: loss of function.

Submissions (2):

Labcorp Genetics (formerly Invitae), Labcorp
Classification: Uncertain significance for CHARGE syndrome. Last evaluated: 2024-05-25. Review status: criteria provided, single submitter. Criteria: Invitae Variant Classification Sherloc (09022015). Collection method: clinical testing. Allele origin: germline.
Comment: This sequence change replaces proline, which is neutral and non-polar, with serine, which is neutral and polar, at codon 515 of the CHD7 protein (p.Pro515Ser). This variant is not present in population databases (gnomAD no frequency). This variant has not been reported in the literature in individuals affected with CHD7-related conditions. ClinVar contains an entry for this variant (Variation ID: 1369874). Advanced modeling of protein sequence and biophysical properties (such as structural, functional, and spatial information, amino acid conservation, physicochemical variation, residue mobility, and thermodynamic stability) performed at Invitae indicates that this missense variant is not expected to disrupt CHD7 protein function with a negative predictive value of 95%. In summary, the available evidence is currently insufficient to determine the role of this variant in disease. Therefore, it has been classified as a Variant of Uncertain Significance.

Fulgent Genetics
Classification: Uncertain significance for CHD7-related CHARGE syndrome; Hypogonadotropic hypogonadism 5 with or without anosmia. Last evaluated: 2024-04-08. Review status: criteria provided, single submitter. Criteria: ACMG Guidelines, 2015. Collection method: clinical testing. Allele origin: germline.